The following continues an entry in ClinVar:

NM_000540.3(RYR1):c.7361G>A (p.Arg2454His)

Gene: RYR1. ClinVar aggregate classification (germline): Pathogenic; drug response. Pathogenic (1).

Submissions 11 to 27 of 27:

Variantyx, Inc.
Classification: Pathogenic for Malignant hyperthermia, susceptibility to, 1. Last evaluated: 2025-04-16. Review status: criteria provided, single submitter. Criteria: Variantyx Assertion Criteria 2022. Collection method: clinical testing. Allele origin: germline. Inheritance: Autosomal dominant inheritance. Affected: yes. Not counted in ClinVar's aggregate classification.
Comment: This is a nonsynonymous variant in the RYR1 gene (OMIM: 180901). Pathogenic variants in this gene have been associated with autosomal dominant susceptibility to malignant hyperthermia 1. This variant has been reported in several unrelated affected individuals (PMID: 30236257, 24433488, 11575529) (PS4) and it has been observed to segregate with disease in at least 11 individuals from 4 families (PMID: 12059893, 10051009) (PP1). Functional studies have shown that this variant alters RYR1 protein function (PMID: 27586648) (PS3_Moderate), and multiple computational algorithms predict a deleterious effect for this variant (REVEL score: 0.923) (PP3). Moreocer, the variant lies within a known hotspot for pathogenic variants or a well-established critical functional domain of the RYR1 protein (PMID: 21118704) (PM1). This variant has a 0.0030% maximum allele frequency in non-founder control populations. Based on the current evidence, this variant is classified as pathogenic for autosomal dominant susceptibility to malignant hyperthermia 1.

GeneDx
Classification: Pathogenic. Last evaluated: 2024-06-21. Review status: criteria provided, single submitter. Criteria: GeneDx Variant Classification Process June 2021. Collection method: clinical testing. Allele origin: germline. Affected: yes. Not counted in ClinVar's aggregate classification.
Comment: Reported previously, in the heterozygous state, as a pathogenic variant associated with malignant hyperthermia (PMID: 10051009, 12059893, 19648156); B-lymphocytes from individuals with the R2454H variant displayed an increased extracellular acidification rate compared with wild-type cells, suggesting that the R2454H variant causes increased calcium channel activity (PMID: 19191333); Not observed at significant frequency in large population cohorts (gnomAD); This variant is associated with the following publications: (PMID: 28325813, 26951757, 19648156, 31206373, 34462577, 19191333, 27586648, 28682948, 28687594, 12059893, 30236257, 30499100, 30788618, 32174957, 31447099, 17081152, 37937776, 10051009, 12668474, 33767344)

Color Diagnostics, LLC DBA Color Health
Classification: Pathogenic for Malignant hyperthermia, susceptibility to, 1. Last evaluated: 2024-06-20. Review status: criteria provided, single submitter. Criteria: ACMG Guidelines, 2015. Collection method: clinical testing. Allele origin: germline. Not counted in ClinVar's aggregate classification.
Comment: This missense variant replaces arginine with histidine at codon 2454 of the RYR1 protein. Computational prediction suggests that this variant may have deleterious impact on protein structure and function. A functional study has shown that this variant causes increased cellular sensitivity to caffeine compared to wild-type RYR1 (PMID: 16163667). This variant occurs in a region of the RYR1 protein that is considered to be a hotspot for pathogenic variants that contribute to malignant hyperthermia susceptibility (PMID: 21118704). This variant has been reported in over 25 families and/or individuals affected with malignant hyperthermia susceptibility (PMID: 12709367, 15448513, 16163667, 17081152, 19648156, 20681998, 21455645, 24433488, 25960145, 26951757) and has been reported to segregate with disease in over ten families (PMID: 30236257). This variant has been identified in 2/251210 chromosomes in the general population by the Genome Aggregation Database (gnomAD). Based on the available evidence, this variant is classified as Pathogenic.

Fulgent Genetics
Classification: Pathogenic for Central core myopathy; Malignant hyperthermia, susceptibility to, 1; Congenital multicore myopathy with external ophthalmoplegia; King Denborough syndrome. Last evaluated: 2024-06-13. Review status: criteria provided, single submitter. Criteria: ACMG Guidelines, 2015. Collection method: clinical testing. Allele origin: germline. Not counted in ClinVar's aggregate classification.

Women's Health and Genetics/Laboratory Corporation of America, LabCorp
Classification: Pathogenic for Malignant hyperthermia of anesthesia. Last evaluated: 2024-06-11. Review status: criteria provided, single submitter. Criteria: LabCorp Variant Classification Summary - May 2015. Collection method: clinical testing. Allele origin: germline. Not counted in ClinVar's aggregate classification.
Comment: Variant summary: RYR1 c.7361G>A (p.Arg2454His) results in a non-conservative amino acid change in the encoded protein sequence. Five of five in-silico tools predict a damaging effect of the variant on protein function. The variant allele was found at a frequency of 8e-06 in 251210 control chromosomes. c.7361G>A has been reported in the literature in the heterozygous state in multiple individuals affected with autosomal dominant Malignant Hyperthermia Susceptibility (example, Barone_1999, Carpenter_2009, Miller_2018), and segregated with disease among several related individuals. These data indicate that the variant is very likely to be associated with disease. Multiple functional studies have shown this variant causes enhanced ryanodine binding and decreased the Ca2+ threshold required for spontaneous muscle contraction (example, Chen_2017, Murayama_2016). The following publications have been ascertained in the context of this evaluation (PMID: 10051009, 19648156, 28687594, 30236257, 27586648). ClinVar contains an entry for this variant (Variation ID: 65980). Based on the evidence outlined above, the variant was classified as pathogenic.

All of Us Research Program, National Institutes of Health
Classification: Pathogenic for Malignant hyperthermia, susceptibility to, 1. Last evaluated: 2024-05-06. Review status: criteria provided, single submitter. Criteria: ACMG Guidelines, 2015. Collection method: clinical testing. Allele origin: germline. Inheritance: Autosomal dominant inheritance. Observed: 3 variant alleles, 3 heterozygotes. Not counted in ClinVar's aggregate classification.
Comment: The c.7361G>A (p.Arg2454His) variant, located on the exon 46 of the RYR1 gene, replaces arginine with histidine at codon 2454 of the RYR1 protein (p.Arg2454His). This missense change has been observed in multiple individuals with personal or family histories of a malignant hyperthermia reaction, positive in vitro contracture test (IVCT) or caffeine halothane contracture test (CHCT) (PMID: 30236257, 12059893, 16163667, 19648156, 24433488, 11575529, 10051009, 10823104, 17081152, 21455645, 23558838, 25960145). This variant segregates with malignant hyperthermia (MHS) in several families (PMID: 30236257, 12059893, 10051009). This missense variant is located in a mutational hot spot region that contributes to MHS (PMID: 21118704). Computational prediction (REVEL >0.85) suggests that this variant may have deleterious impact on protein structure and function. A functional study in HEK293 cells shows an increased sensitivity to RYR1 agonists (PMID: 27586648). An ex vivo assay in patient-derived immortalized lymphoblastoid cells also shows an increased sensitivity to RYR1 agonists (PMID: 19191333). This variant is rare in the general population according to gnomAD (2/251210 chromosomes). The variant is reported as pathogenic in ClinVar (ID: 65980) and reviewed by the expert panel. Another alteration affecting the same amino acid, c.7360C>T (p.Arg2454Cys) has been classified as pathogenic by the expert panel in ClinVar (ID: 133202). Therefore, the c.7361G>A (p.Arg2454His) variant in the RYR1 gene is classified as pathogenic.

This study involves interpretation of variants in research participants for the purpose of population health screening. Participant phenotype was not available at the time of variant classification. Additional details can be found in publication PMID: 35346344, PMCID: PMC8962531

Blueprint Genetics
Classification: Pathogenic for RYR1-related disorders. Last evaluated: 2023-12-29. Review status: criteria provided, single submitter. Criteria: ACMG Guidelines, 2015. Collection method: clinical testing. Allele origin: germline. Affected: yes. Observed: 3 variant alleles. Not counted in ClinVar's aggregate classification.

Baylor Genetics
Classification: Pathogenic for Malignant hyperthermia, susceptibility to, 1. Last evaluated: 2022-12-10. Review status: criteria provided, single submitter. Criteria: ACMG Guidelines, 2015. Collection method: clinical testing. Allele origin: unknown. Not counted in ClinVar's aggregate classification.

CeGaT Center for Human Genetics Tuebingen
Classification: Pathogenic. Last evaluated: 2022-06-01. Review status: criteria provided, single submitter. Criteria: CeGaT Center For Human Genetics Tuebingen Variant Classification Criteria Version 2. Collection method: clinical testing. Allele origin: germline. Affected: yes. Observed: 4 variant alleles. Not counted in ClinVar's aggregate classification.

Revvity Omics, Revvity
Classification: Pathogenic. Last evaluated: 2021-10-05. Review status: criteria provided, single submitter. Criteria: ACMG Guidelines, 2015. Collection method: clinical testing. Allele origin: germline. Not counted in ClinVar's aggregate classification.

Institute of Human Genetics, University of Leipzig Medical Center
Classification: Pathogenic for Malignant hyperthermia, susceptibility to, 1. Last evaluated: 2021-07-28. Review status: criteria provided, single submitter. Criteria: ACMG Guidelines, 2015. Collection method: clinical testing. Allele origin: germline. Affected: yes. Not counted in ClinVar's aggregate classification.

Human Genome Sequencing Center Clinical Lab, Baylor College of Medicine
Classification: Pathogenic for Malignant hyperthermia, susceptibility to, 1. Last evaluated: 2018-01-15. Review status: criteria provided, single submitter. Criteria: ACMG Guidelines, 2015. Collection method: clinical testing. Allele origin: germline. Not counted in ClinVar's aggregate classification.
Comment: This c.7361G>A (p.Arg2454His) variant in exon 46 of the RYR1 gene has been reported in multiple individuals with susceptibility to malignant hyperthermia that was diagnosed either by a well-defined laboratory diagnostic test or patients developed malignant hyperthermia crisis during anesthesia (PMID: 16163667, 19648156, 10051009, 20301565). Independently performed functional assays also support the pathogenicity of this variant (PMID, 19191333, 16163667, 27586648). Moreover, European Malignant Hyperthermia Group (EMHG) has categorized this variant as diagnostic for susceptibility to malignant hyperthermia. The c.7361G>A (p.Arg2454His) variant in the RYR1 gene is classified as pathogenic .

PreventionGenetics, part of Exact Sciences
Classification: Pathogenic. Last evaluated: 2016-03-11. Review status: criteria provided, single submitter. Criteria: ACMG Guidelines, 2015. Collection method: clinical testing. Allele origin: germline. Not counted in ClinVar's aggregate classification.

Clinical Genetics Service, Universitary Hospital 12 de Octubre
Classification: Pathogenic for Malignant hyperthermia, susceptibility to, 1. Review status: criteria provided, single submitter. Criteria: ACMG Guidelines, 2015. Collection method: clinical testing. Allele origin: germline. Affected: yes. Not counted in ClinVar's aggregate classification.

deCODE genetics, Amgen
Classification: Pathogenic for Malignant hyperthermia, susceptibility to, 1. Last evaluated: 2023-07-21. Review status: no assertion criteria provided. Collection method: research. Allele origin: germline. Affected: yes. Observed: 1 variant allele. Not counted in ClinVar's aggregate classification.
Comment: The variant NM_000540.3:c.7361G>A (chr19:38500643) in RYR1 was detected in 1 heterozygote out of 58K WGS Icelanders (MAF= 0,001%). This variant has been reported in ClinVar previously as pathogenic and is one of the diagnostic MH variants. Based on ACMG criteria (PS3, PM2, PP3, PP4, PP5_Strong) this variant classifies as pathogenic.

GeneReviews
Classification: Pathogenic for Central Core Disease. Last evaluated: 2010-05-11. Review status: no assertion criteria provided. Collection method: curation. Allele origin: unknown. Not counted in ClinVar's aggregate classification.
ClinVar note: Converted during submission from pathologic to Pathogenic.

RYR1 database
No classification provided. Review status: no classification provided. Collection method: not provided. Allele origin: unknown. Not counted in ClinVar's aggregate classification.

Literature cited by the submitters: PubMed 10051009 (cited by 6 submitters); PubMed 10484775 (cited by ClinPGx and Athena Diagnostics); PubMed 11575529 (cited by 4 submitters); PubMed 12059893 (cited by 5 submitters); PubMed 12709367 (cited by 3 submitters); PubMed 15448513 (cited by 3 submitters); PubMed 16163667 (cited by 5 submitters); PubMed 16917943 (cited by ClinPGx); PubMed 17081152 (cited by 4 submitters); PubMed 19191333 (cited by 3 submitters); PubMed 19648156 (cited by 5 submitters); PubMed 20681998 (cited by 3 submitters); PubMed 21455645 (cited by 4 submitters); PubMed 23558838 (cited by 3 submitters); PubMed 24433488 (cited by 5 submitters); PubMed 25960145 (cited by 4 submitters); PubMed 26951757 (cited by 3 submitters); PubMed 27382027 (cited by ClinPGx); PubMed 10612851 (cited by Labcorp Genetics (formerly Invitae), Labcorp); PubMed 12411788 (cited by Labcorp Genetics (formerly Invitae), Labcorp); PubMed 28687594 (cited by Athena Diagnostics and Women's Health and Genetics/Laboratory Corporation of America, LabCorp); PubMed 31206373 (cited by Athena Diagnostics); PubMed 30236257 (cited by 5 submitters); PubMed 27586648 (cited by 4 submitters); PubMed 21118704 (cited by 3 submitters); PubMed 10823104 (cited by All of Us Research Program, National Institutes of Health).